The following is an entry in ClinVar:

ClinVar aggregate classification (germline): Uncertain significance (1 of 4 stars; one submission).

Conditions:
Cystic fibrosis (CF). Also called: MUCOVISCIDOSIS. Identifiers: Orphanet 586, MedGen C0010674, MONDO:0009061, OMIM 219700. Disease mechanism: loss of function.

Submission:

Ambry Genetics
Classification: Uncertain significance for Cystic fibrosis. Last evaluated: 2025-04-06. Review status: criteria provided, single submitter. Criteria: Ambry Variant Classification Scheme 2023. Collection method: clinical testing. Allele origin: germline.
Comment: The p.A875P variant (also known as c.2623G>C), located in coding exon 16 of the CFTR gene, results from a G to C substitution at nucleotide position 2623. The alanine at codon 875 is replaced by proline, an amino acid with highly similar properties. This amino acid position is conserved. In addition, this alteration is predicted to be deleterious by in silico analysis. Based on the available evidence, the clinical significance of this variant remains unclear.

NM_000492.4(CFTR):c.2623G>C (p.Ala875Pro)

Gene: CFTR (CF transmembrane conductance regulator; plus strand). Cytogenetic location: 7q31.2.
Variant type: single nucleotide variant.
Coding change: c.2623G>C on transcript NM_000492.4 (MANE Select); coding-DNA position 2623, G replaced by C.
Protein change: p.Ala875Pro; replaces alanine 875 with proline.
Molecular consequence: missense variant.
Genome position (GRCh38, 1-based): chr7:117,602,829, G>C. VCF-style: chr7-117602829-G-C. GRCh37 (hg19) VCF-style: chr7-117242883-G-C.
Other names: short protein forms A875P.
Identifiers: ClinVar variation 4001837 (VCV004001837.1).